The following is an entry in ClinVar:

ClinVar aggregate classification (germline): Uncertain significance (1 of 4 stars; one submission).

Submission:

Dasa
Classification: Uncertain significance. Last evaluated: 2025-11-14. Review status: criteria provided, single submitter. Criteria: DASA Assertion Criteria. Collection method: clinical testing. Allele origin: germline.
Comment: NM_022897.5(RANBP17):c.2850del (p.Glu951Argfs*32) is a frameshift variant in RANBP17 predicted to alter the reading frame and introduce a premature termination codon. This variant is rare in population databases. The currently available literature and clinical evidence are not sufficient to establish a definitive association between this variant and the reported condition. Therefore, this variant is classified as a variant of uncertain significance.

NM_022897.5(RANBP17):c.2850del (p.Glu951fs)

Gene: RANBP17 (RAN binding protein 17; plus strand). Cytogenetic location: 5q35.1.
Variant type: Deletion.
Coding change: c.2850del on transcript NM_022897.5 (MANE Select); coding-DNA position 2850, one base deleted (A; older notation c.2850delA).
Protein change: p.Glu951fs; shifts the reading frame from glutamic acid 951.
Molecular consequence: frameshift variant.
Genome position (GRCh38, 1-based): chr5:171,265,754, A deleted; the last of 4 consecutive A bases (chr5:171,265,751-171,265,754); deleting any one gives the same sequence. VCF-style (leftmost placement, unchanged base first): chr5-171265750-CA-C. GRCh37 (hg19) VCF-style: chr5-170692754-CA-C.
Other names: short protein forms E951fs.
Identifiers: ClinVar variation 4883859 (VCV004883859.2).
Genomic context (GRCh38, chr5:171,265,750, plus strand): 5'-TCTCCTCCAGCTGCTGTACCAGTTTAGACTACATCGTCACCTACCTCTTCAAGCACATAG[CA>C]AAAGAGGGCAAGAAGCCACTTCGATGCAGAGAGGCTACCCAGGCTGGTCAGAGACTATTA-3'